The following is an entry in ClinVar:

ClinVar aggregate classification (germline): Conflicting classifications of pathogenicity. Review status: criteria provided, conflicting classifications (1 of 4 stars). 2 submissions from 2 submitters: Uncertain significance (1); Likely benign (1). Last evaluated 2026-01-25.

Conditions:
Hereditary sensory and autonomic neuropathy type 6. Also called: HSAN VI; Neuropathy, hereditary sensory and autonomic, type VI. Identifiers: Orphanet 314381, MedGen C3539003, MONDO:0013839, OMIM 614653.
Epidermolysis bullosa simplex 3, localized or generalized intermediate, with BP230 deficiency (EBS3). Also called: Epidermolysis bullosa simplex due to BP230 deficiency; Epidermolysis bullosa simplex, autosomal recessive 2. Identifiers: Orphanet 412181, MedGen C3809470, MONDO:0014180, OMIM 615425.
Inborn genetic diseases. Identifiers: MedGen C0950123, MeSH D030342.

Allele frequency attached by ClinVar (database versions not stated): TOPMed below 0.00001; gnomAD 0.00003; 1000 Genomes Project 30x 0.00016; 1000 Genomes Project 0.00020; ExAC 0.00020.
gnomAD v4.1: 127 of 1,610,890 alleles (0.0079%); highest among the groups gnomAD compares: South Asian, 0.13%; no homozygotes.

Submissions (2):

Labcorp Genetics (formerly Invitae), Labcorp
Classification: Likely benign for Epidermolysis bullosa simplex 3, localized or generalized intermediate, with BP230 deficiency; Hereditary sensory and autonomic neuropathy type 6. Last evaluated: 2026-01-25. Review status: criteria provided, single submitter. Criteria: Invitae Variant Classification Sherloc (09022015). Collection method: clinical testing. Allele origin: germline.

Ambry Genetics
Classification: Uncertain significance for Inborn genetic diseases. Last evaluated: 2019-12-20. Review status: criteria provided, single submitter. Criteria: Ambry Variant Classification Scheme 2023. Collection method: clinical testing. Allele origin: germline.
Comment: The c.16766-6C>T intronic variant results from a C to T substitution 6 nucleotides upstream from coding exon 97 in the DST gene. This nucleotide position is not well conserved in available vertebrate species. Using the BDGP and ESEfinder splice site prediction tools, this alteration is not predicted to have any significant effect on this splice acceptor site; however, direct evidence is unavailable. Since supporting evidence is limited at this time, the clinical significance of this alteration remains unclear.

NM_001374736.1(DST):c.23195-6C>T

Gene: DST (dystonin; minus strand). Cytogenetic location: 6p12.1.
Variant type: single nucleotide variant.
Coding change: c.23195-6C>T on transcript NM_001374736.1 (MANE Select); 6 bases into the intron before coding-DNA position 23195, C replaced by T.
Molecular consequence: intron variant.
Genome position (GRCh38, 1-based): chr6:56,459,273, G>A on the plus strand (C>T on the coding strand, the complement: DST is on the minus strand). VCF-style: chr6-56459273-G-A. GRCh37 (hg19) VCF-style: chr6-56324071-G-A.
Other names: c.16766-6C>T (NM_001144769.5); c.23123-6C>T (NM_001374722.1); c.23150-6C>T (NM_001374734.1); c.16352-6C>T (NM_001144770.2); c.15866-6C>T (NM_001374730.1); c.16214-6C>T (NM_001386100.1); c.16232-6C>T (NM_183380.4); c.22124-6C>T (NM_001374729.1); and 1 more.
Identifiers: ClinVar variation 1777788 (VCV001777788.7), dbSNP rs559604901, ClinGen allele CA3866002.